The following is an entry in ClinVar:

NM_004544.4(NDUFA10):c.*1189C>T

Gene: NDUFA10 (NADH:ubiquinone oxidoreductase subunit A10; minus strand). Cytogenetic location: 2q37.3.
Variant type: single nucleotide variant.
Coding change: c.*1189C>T on transcript NM_004544.4 (MANE Select); 1189 bases downstream of the stop codon, C replaced by T.
Molecular consequence: 3 prime UTR variant. On other transcripts: non-coding transcript variant (3).
Genome position (GRCh38, 1-based): chr2:239,959,929, G>A on the plus strand (C>T on the coding strand, the complement: NDUFA10 is on the minus strand). VCF-style: chr2-239959929-G-A. GRCh37 (hg19) VCF-style: chr2-240899346-G-A.
Other names: c.*1194C>T (NM_001322020.2).
Identifiers: ClinVar variation 335183 (VCV000335183.6), dbSNP rs66534347, ClinGen allele CA10613259.

ClinVar aggregate classification (germline): Benign. Review status: criteria provided, multiple submitters, no conflicts (2 of 4 stars). 3 submissions from 2 submitters: Benign (3). Last evaluated 2018-01-12.

Conditions:
Leigh syndrome (NULS). Also called: Leigh's syndrome; Leigh Syndrome (mtDNA deletion); Leigh Disease; Leigh's necrotizing encephalopathy; Leigh's disease; Subacute necrotizing encephalopathy. Identifiers: Orphanet 506, MedGen C2931891, MONDO:0009723, OMIM 256000.
Mitochondrial complex I deficiency, nuclear type 1. Also called: NADH-COENZYME Q REDUCTASE DEFICIENCY; MITOCHONDRIAL NADH DEHYDROGENASE COMPONENT OF COMPLEX I, DEFICIENCY OF. Identifiers: MedGen C6022305, MONDO:0100224, OMIM 252010.

Allele frequency attached by ClinVar (database versions not stated): 1000 Genomes Project 30x 0.28217; 1000 Genomes Project 0.28674; TOPMed 0.28920; gnomAD 0.30405 and 0.30437.
gnomAD v4.1: 331,910 of 985,268 alleles (34%); highest among the groups gnomAD compares: East Asian, 42%; 56,895 homozygotes.

Submissions (3):

Illumina Laboratory Services, Illumina
Classification: Benign for Mitochondrial complex I deficiency, nuclear type 1. Last evaluated: 2018-01-12. Review status: criteria provided, single submitter. Criteria: ICSL Variant Classification Criteria 13 December 2019. Collection method: clinical testing. Allele origin: germline.
Comment: This variant was observed in the ICSL laboratory as part of a predisposition screen in an ostensibly healthy population. It had not been previously curated by ICSL or reported in the Human Gene Mutation Database (HGMD: prior to June 1st, 2018), and was therefore a candidate for classification through an automated scoring system. Utilizing variant allele frequency, disease prevalence and penetrance estimates, and inheritance mode, an automated score was calculated to assess if this variant is too frequent to cause the disease. Based on the score and internal cut-off values, a variant classified as benign is not then subjected to further curation. The score for this variant resulted in a classification of benign for this disease.

Illumina Laboratory Services, Illumina
Classification: Benign for Leigh syndrome. Last evaluated: 2018-01-12. Review status: criteria provided, single submitter. Criteria: ICSL Variant Classification Criteria 13 December 2019. Collection method: clinical testing. Allele origin: germline.
Comment: the same text as in the submission from Illumina Laboratory Services, Illumina above.

Breakthrough Genomics
Classification: Benign. Review status: criteria provided, single submitter. Criteria: ACMG Guidelines, 2015. Collection method: not provided. Allele origin: germline. Inheritance: Autosomal recessive inheritance. Affected: yes.